The following is an entry in ClinVar:

ClinVar aggregate classification (germline): Benign/Likely benign. Review status: criteria provided, multiple submitters, no conflicts (2 of 4 stars). 5 submissions from 5 submitters: Benign (3); Likely benign (2). Last evaluated 2026-04-14.

Conditions:
DICER1-related tumor predisposition. Also called: DICER1 syndrome; DICER1-related pleuropulmonary blastoma cancer predisposition syndrome. Identifiers: Orphanet 284343, MedGen C3839822, MONDO:0100216.

Submissions (5):

Myriad Genetics, Inc.
Classification: Benign for DICER1-related tumor predisposition. Last evaluated: 2026-04-14. Review status: criteria provided, single submitter. Criteria: Myriad Autosomal Dominant, Autosomal Recessive and X-Linked Classification Criteria (2023). Collection method: clinical testing. Allele origin: unknown.
Comment: This variant is considered benign. This variant is intronic and is not expected to impact mRNA splicing.

Labcorp Genetics (formerly Invitae), Labcorp
Classification: Benign for DICER1-related tumor predisposition. Last evaluated: 2026-02-04. Review status: criteria provided, single submitter. Criteria: Invitae Variant Classification Sherloc (09022015). Collection method: clinical testing. Allele origin: germline.

Center for Genomic Medicine, Rigshospitalet, Copenhagen University Hospital
Classification: Likely benign. Last evaluated: 2025-03-04. Review status: criteria provided, single submitter. Criteria: ACMG Guidelines, 2015. Collection method: clinical testing. Allele origin: germline.

Blueprint Genetics
Classification: Likely benign. Last evaluated: 2024-11-25. Review status: criteria provided, single submitter. Criteria: ACMG Guidelines, 2015. Collection method: clinical testing. Allele origin: germline.

ARUP Laboratories, Molecular Genetics and Genomics, ARUP Laboratories
Classification: Benign. Last evaluated: 2021-10-08. Review status: criteria provided, single submitter. Criteria: ARUP Molecular Germline Variant Investigation Process 2021. Collection method: clinical testing. Allele origin: germline.

NM_177438.3(DICER1):c.145-22dup

Gene: DICER1 (dicer 1, ribonuclease III; minus strand). Cytogenetic location: 14q32.13.
Variant type: Duplication.
Coding change: c.145-22dup on transcript NM_177438.3 (MANE Select); 22 bases into the intron before coding-DNA position 145, one base duplicated (T; older notation c.145-22dupT).
Molecular consequence: intron variant.
Genome position (GRCh38, 1-based): chr14:95,132,692, A duplicated on the plus strand (T on the coding strand, the reverse complement: DICER1 is on the minus strand); the first of 8 consecutive A bases (chr14:95,132,692-95,132,699); duplicating any one gives the same sequence. VCF-style (leftmost placement, unchanged base first): chr14-95132691-G-GA. GRCh37 (hg19) VCF-style: chr14-95599028-G-GA.
Other names: c.145-22dup (NM_001291628.2, NM_030621.4, NM_001271282.3 and 1 more transcripts); c.145-15dupT (NM_177438.3).
Identifiers: ClinVar variation 1333170 (VCV001333170.18), dbSNP rs558991368, ClinGen allele CA7331724.